The following is an entry in ClinVar:

NM_025003.5(ADAMTS20):c.1759G>A (p.Glu587Lys)

Gene: ADAMTS20 (ADAM metallopeptidase with thrombospondin type 1 motif 20; minus strand). Cytogenetic location: 12q12.
Variant type: single nucleotide variant.
Coding change: c.1759G>A on transcript NM_025003.5 (MANE Select); coding-DNA position 1759, G replaced by A.
Protein change: p.Glu587Lys; replaces glutamic acid 587 with lysine.
Molecular consequence: missense variant.
Genome position (GRCh38, 1-based): chr12:43,453,908, C>T on the plus strand (G>A on the coding strand, the complement: ADAMTS20 is on the minus strand). VCF-style: chr12-43453908-C-T. GRCh37 (hg19) VCF-style: chr12-43847711-C-T.
Other names: short protein forms E587K.
Identifiers: ClinVar variation 4978538 (VCV004978538.1).

ClinVar aggregate classification (germline): Likely benign (1 of 4 stars; one submission).

Conditions:
ADAMTS20-related condition.

gnomAD v4.1: 498 of 1,596,128 alleles (0.031%); highest among the groups gnomAD compares: African/African-American, 0.62%; 4 homozygotes.

Submission:

PreventionGenetics, part of Exact Sciences
Classification: Likely benign for ADAMTS20-related condition. Last evaluated: 2024-11-18. Review status: criteria provided, single submitter. Criteria: ACMG Guidelines, 2015. Collection method: clinical testing. Allele origin: germline.
Comment: This variant is classified as likely benign based on ACMG/AMP sequence variant interpretation guidelines (Richards et al. 2015 PMID: 25741868, with internal and published modifications).